The following is an entry in ClinVar:

ClinVar aggregate classification (germline): Likely benign (1 of 4 stars; one submission).

Allele frequency attached by ClinVar (database versions not stated): gnomAD 0.00067; TOPMed 0.00073; 1000 Genomes Project 0.00053; ExAC 0.00077; 1000 Genomes Project 30x 0.00083; gnomAD exomes 0.00099; ESP Exome Variant Server 0.00111.

Submission:

CeGaT Center for Human Genetics Tuebingen
Classification: Likely benign. Last evaluated: 2023-01-01. Review status: criteria provided, single submitter. Criteria: CeGaT Center For Human Genetics Tuebingen Variant Classification Criteria Version 2. Collection method: clinical testing. Allele origin: germline. Affected: yes. Observed: 1 variant allele.
Comment: ZFP92: BS2

NM_001136273.2(ZFP92):c.-9G>A

Gene: ZFP92 (ZFP92 zinc finger protein; plus strand). Cytogenetic location: Xq28.
Variant type: single nucleotide variant.
Coding change: c.-9G>A on transcript NM_001136273.2 (MANE Select); 9 bases upstream of the start codon, G replaced by A.
Molecular consequence: 5 prime UTR variant. On other transcripts: intron variant (1).
Genome position (GRCh38, 1-based): chrX:153,418,314, G>A. VCF-style: chrX-153418314-G-A. GRCh37 (hg19) VCF-style: chrX-152683772-G-A.
Other names: c.-9G>A (NM_001386944.1, NM_001386945.1); c.-93-359G>A (NM_001386943.1).
Identifiers: ClinVar variation 2661682 (VCV002661682.24), dbSNP rs189042135, ClinGen allele CA10546348.
Genomic context (GRCh38, chrX:153,418,314, plus strand): 5'-GCTGCTCCAGGCTGCCCTGGGCTCACAGGGGGCTCTTTGCATTTCCCTTAGCTCCTCTGC[G>A]CCCTGGTGATGGCAGCCATTCTCCTGACCACGAGACCCAAGGTGAGTGGTGGCCCCTCTC-3'